The following is an entry in ClinVar:

NM_001377.3(DYNC2H1):c.2908A>T (p.Asn970Tyr)

Gene: DYNC2H1 (dynein cytoplasmic 2 heavy chain 1; plus strand). Cytogenetic location: 11q22.3.
Variant type: single nucleotide variant.
Coding change: c.2908A>T on transcript NM_001377.3 (MANE Select); coding-DNA position 2908, A replaced by T.
Protein change: p.Asn970Tyr; replaces asparagine 970 with tyrosine.
Molecular consequence: missense variant.
Genome position (GRCh38, 1-based): chr11:103,148,579, A>T. VCF-style: chr11-103148579-A-T. GRCh37 (hg19) VCF-style: chr11-103019308-A-T.
Other names: c.2908A>T (NM_001080463.1); c.2908A>T, p.Asn970Tyr (NM_001080463.2); short protein forms N970Y.
Identifiers: ClinVar variation 1467016 (VCV001467016.5), dbSNP rs914483901, ClinGen allele CA227415951.

ClinVar aggregate classification (germline): Uncertain significance. Review status: criteria provided, multiple submitters, no conflicts (2 of 4 stars). 3 submissions from 3 submitters: Uncertain significance (3). Last evaluated 2025-08-03.

Conditions:
Inborn genetic diseases. Identifiers: MedGen C0950123, MeSH D030342.
Jeune thoracic dystrophy. Also called: Jeune syndrome; Infantile thoracic dystrophy; Thoracic pelvic phalangeal dystrophy; Jeune's syndrome; Chondroectodermal dysplasia-like syndrome; Short-rib thoracic dysplasia. Identifiers: Orphanet 474, MedGen C0265275, MONDO:0018770.

Allele frequency attached by ClinVar (database versions not stated): gnomAD exomes 0.00001 and 0.00003; gnomAD 0.00003 and 0.00004; TOPMed 0.00003.
gnomAD v4.1: 17 of 1,570,310 alleles (0.0011%); highest among the groups gnomAD compares: Non-Finnish European, 0.0014%; no homozygotes.

Submissions (3):

GeneDx
Classification: Uncertain significance. Last evaluated: 2025-08-03. Review status: criteria provided, single submitter. Criteria: GeneDx Variant Classification Process June 2021. Collection method: clinical testing. Allele origin: germline. Affected: yes.
Comment: Not observed at significant frequency in large population cohorts (gnomAD); In silico analysis supports that this missense variant has a deleterious effect on protein structure/function; Has not been previously published as pathogenic or benign to our knowledge

Ambry Genetics
Classification: Uncertain significance for Inborn genetic diseases. Last evaluated: 2023-02-06. Review status: criteria provided, single submitter. Criteria: Ambry Variant Classification Scheme 2023. Collection method: clinical testing. Allele origin: germline.

Labcorp Genetics (formerly Invitae), Labcorp
Classification: Uncertain significance for Jeune thoracic dystrophy. Last evaluated: 2021-11-19. Review status: criteria provided, single submitter. Criteria: Invitae Variant Classification Sherloc (09022015). Collection method: clinical testing. Allele origin: germline.
Comment: This sequence change replaces asparagine, which is neutral and polar, with tyrosine, which is neutral and polar, at codon 970 of the DYNC2H1 protein (p.Asn970Tyr). This variant is present in population databases (no rsID available, gnomAD 0.009%). This variant has not been reported in the literature in individuals affected with DYNC2H1-related conditions. Advanced modeling of protein sequence and biophysical properties (such as structural, functional, and spatial information, amino acid conservation, physicochemical variation, residue mobility, and thermodynamic stability) performed at Invitae indicates that this missense variant is not expected to disrupt DYNC2H1 protein function. In summary, the available evidence is currently insufficient to determine the role of this variant in disease. Therefore, it has been classified as a Variant of Uncertain Significance.